The following is an entry in ClinVar:

ClinVar aggregate classification (germline): Likely benign. Review status: criteria provided, single submitter (1 of 4 stars). 2 submissions from 2 submitters: Likely benign (1). 1 of the submissions does not count toward it. Last evaluated 2025-10-21.

Conditions:
COL12A1-related disorder. Also called: COL12A1-related condition.
Ullrich congenital muscular dystrophy 2 (UCMD2). Identifiers: Orphanet 75840, MedGen C4225314, MONDO:0014654, OMIM 616470.
Bethlem myopathy 2 (BTHLM2). Identifiers: Orphanet 536516, Orphanet 610, MedGen C4225313, MONDO:0034022, OMIM 616471.

Allele frequency attached by ClinVar (database versions not stated): gnomAD exomes 0.00006 and 0.00002; ExAC 0.00005; gnomAD 0.00001; TOPMed 0.00003.
gnomAD v4.1: 31 of 1,612,834 alleles (0.0019%); highest among the groups gnomAD compares: Admixed American, 0.033%; no homozygotes.

Submissions (2):

Labcorp Genetics (formerly Invitae), Labcorp
Classification: Likely benign for Bethlem myopathy 2; Ullrich congenital muscular dystrophy 2. Last evaluated: 2025-10-21. Review status: criteria provided, single submitter. Criteria: Invitae Variant Classification Sherloc (09022015). Collection method: clinical testing. Allele origin: germline.

PreventionGenetics, part of Exact Sciences
Classification: Likely benign for COL12A1-related condition. Last evaluated: 2024-05-13. Review status: no assertion criteria provided. Collection method: clinical testing. Allele origin: germline. Not counted in ClinVar's aggregate classification.
Comment: This variant is classified as likely benign based on ACMG/AMP sequence variant interpretation guidelines (Richards et al. 2015 PMID: 25741868, with internal and published modifications).

NM_004370.6(COL12A1):c.801T>C (p.Val267=)

Gene: COL12A1 (collagen type XII alpha 1 chain; minus strand). Cytogenetic location: 6q13.
Variant type: single nucleotide variant.
Coding change: c.801T>C on transcript NM_004370.6 (MANE Select); coding-DNA position 801, T replaced by C.
Protein change: p.Val267=; no amino-acid change (valine 267 retained).
Molecular consequence: synonymous variant. On other transcripts: intron variant (1).
Genome position (GRCh38, 1-based): chr6:75,189,239, A>G on the plus strand (T>C on the coding strand, the complement: COL12A1 is on the minus strand). VCF-style: chr6-75189239-A-G. GRCh37 (hg19) VCF-style: chr6-75898955-A-G.
Other names: c.801T>C (NM_004370.5); c.73+13481T>C (NM_080645.3).
Identifiers: ClinVar variation 1137307 (VCV001137307.11), dbSNP rs781375448, ClinGen allele CA3894346.
Genomic context (GRCh38, chr6:75,189,239, plus strand): 5'-AGTTGTAAAATGGAAATAATTAACTGAACTTAACCTACCCAAGGAGAAAACTTCAACTCC[A>G]ACATTACGAAGCTCTCTTGCTGGAATTTCCACTTCATCCTGGGATTTTCCATCCGTAATA-3'
Protein context (NP_004361.3, residues 257-277): VEIPARELRN[Val267=]GVEVFSLGIK